The following is an entry in ClinVar:

NM_003221.4(TFAP2B):c.796T>C (p.Ser266Pro)

Gene: TFAP2B (transcription factor AP-2 beta; plus strand). Cytogenetic location: 6p12.3.
Variant type: single nucleotide variant.
Coding change: c.796T>C on transcript NM_003221.4 (MANE Select); coding-DNA position 796, T replaced by C.
Protein change: p.Ser266Pro; replaces serine 266 with proline.
Molecular consequence: missense variant.
Genome position (GRCh38, 1-based): chr6:50,836,255, T>C. VCF-style: chr6-50836255-T-C. GRCh37 (hg19) VCF-style: chr6-50803968-T-C.
Other names: short protein forms S266P.
Identifiers: ClinVar variation 3376356 (VCV003376356.1).

ClinVar aggregate classification (germline): Uncertain significance (1 of 4 stars; one submission).

Conditions:
Char syndrome (CHAR). Also called: PATENT DUCTUS ARTERIOSUS WITH FACIAL DYSMORPHISM AND ABNORMAL FIFTH DIGITS. Identifiers: Orphanet 46627, MedGen C1868570, MONDO:0008209, OMIM 169100.

Submission:

Pittsburgh Clinical Genomics Laboratory, University of Pittsburgh Medical Center
Classification: Uncertain significance for Char syndrome. Last evaluated: 2024-06-26. Review status: criteria provided, single submitter. Criteria: ACMG Guidelines, 2015. Collection method: clinical testing. Allele origin: germline. Inheritance: Autosomal dominant inheritance. Affected: yes.
Comment: This sequence variant is a single nucleotide substitution (T>C) at position 796 of the coding sequence of the TFAP2B gene that results in a serine to proline amino acid change at residue 266 of the transcription factor AP-2 beta protein. This variant is absent from ClinVar and has not been observed in individuals affected by a TFAP2B-related disorder in the published literature, to our knowledge. This variant is absent from the gnomAD v4.1.0 population database (0/~1612000 alleles). Multiple bioinformatic tools predict that this amino acid change would be damaging, and the Ser266 residue at this position is highly conserved across the vertebrate species examined. Studies examining the functional consequence of this variant have not been published, to our knowledge. At this time, there is insufficient evidence to determine if this variant is pathogenic or benign. Therefore, we consider this a variant of uncertain significance. ACMG Criteria: PM2, PP3